The following is an entry in ClinVar:

NM_018486.3(HDAC8):c.29G>A (p.Ser10Asn)

Gene: HDAC8 (histone deacetylase 8; minus strand). Cytogenetic location: Xq13.1.
Variant type: single nucleotide variant.
Coding change: c.29G>A on transcript NM_018486.3 (MANE Select); coding-DNA position 29, G replaced by A.
Protein change: p.Ser10Asn; replaces serine 10 with asparagine.
Molecular consequence: missense variant. On other transcripts: non-coding transcript variant (1).
Genome position (GRCh38, 1-based): chrX:72,572,733, C>T on the plus strand (G>A on the coding strand, the complement: HDAC8 is on the minus strand). VCF-style: chrX-72572733-C-T. GRCh37 (hg19) VCF-style: chrX-71792583-C-T.
Other names: c.29G>A, p.Ser10Asn (NM_001166418.2, NM_001166419.2, NM_001166420.2 and 2 more transcripts); short protein forms S10N.
Identifiers: ClinVar variation 1426287 (VCV001426287.6), dbSNP rs2147618964, ClinGen allele CA413577428.

ClinVar aggregate classification (germline): Uncertain significance (1 of 4 stars; one submission).

Conditions:
Cornelia de Lange syndrome 5 (CDLS5). Also called: HDAC8-Related Cornelia de Lange Syndrome. Identifiers: Orphanet 199, MedGen C3550903, MONDO:0010471, OMIM 300882.

gnomAD v4.1: 3 of 1,210,756 alleles (0.00025%); highest among the groups gnomAD compares: Non-Finnish European, 0.00022%; no homozygotes.

Submission:

Labcorp Genetics (formerly Invitae), Labcorp
Classification: Uncertain significance for Cornelia de Lange syndrome 5. Last evaluated: 2022-10-17. Review status: criteria provided, single submitter. Criteria: Invitae Variant Classification Sherloc (09022015). Collection method: clinical testing. Allele origin: germline.
Comment: This sequence change replaces serine, which is neutral and polar, with asparagine, which is neutral and polar, at codon 10 of the HDAC8 protein (p.Ser10Asn). This variant is not present in population databases (gnomAD no frequency). This variant has not been reported in the literature in individuals affected with HDAC8-related conditions. ClinVar contains an entry for this variant (Variation ID: 1426287). Advanced modeling of protein sequence and biophysical properties (such as structural, functional, and spatial information, amino acid conservation, physicochemical variation, residue mobility, and thermodynamic stability) performed at Invitae indicates that this missense variant is not expected to disrupt HDAC8 protein function. In summary, the available evidence is currently insufficient to determine the role of this variant in disease. Therefore, it has been classified as a Variant of Uncertain Significance.